The following is an entry in ClinVar:

ClinVar aggregate classification (germline): Uncertain significance (1 of 4 stars; one submission).

Submission:

GeneDx
Classification: Uncertain significance. Last evaluated: 2024-05-10. Review status: criteria provided, single submitter. Criteria: GeneDx Variant Classification Process June 2021. Collection method: clinical testing. Allele origin: germline. Affected: yes.
Comment: Missense variant in a gene in which most reported pathogenic variants are truncating/loss of function; Has not been previously published as pathogenic or benign to our knowledge

NM_001267550.2(TTN):c.89825T>A (p.Val29942Asp)

Genes: TTN (titin; minus strand), TTN-AS1 (TTN antisense RNA 1; plus strand). Cytogenetic location: 2q31.2.
Variant type: single nucleotide variant.
Coding change: c.89825T>A on transcript NM_001267550.2 (MANE Select); coding-DNA position 89825, T replaced by A.
Protein change: p.Val29942Asp; replaces valine 29942 with aspartic acid.
Molecular consequence: missense variant.
Genome position (GRCh38, 1-based): chr2:178,553,075, A>T on the plus strand (T>A on the coding strand, the complement: TTN is on the minus strand). VCF-style: chr2-178553075-A-T. GRCh37 (hg19) VCF-style: chr2-179417802-A-T.
Other names: c.84902T>A, p.Val28301Asp (NM_001256850.1); c.62630T>A, p.Val20877Asp (NM_003319.4); c.82121T>A, p.Val27374Asp (NM_133378.4); c.63005T>A, p.Val21002Asp (NM_133432.3); c.63206T>A, p.Val21069Asp (NM_133437.4); short protein forms V20877D, V21002D, V21069D, V27374D, V28301D, V29942D.
Identifiers: ClinVar variation 3375650 (VCV003375650.1).